The following is an entry in ClinVar:

ClinVar aggregate classification (germline): Likely pathogenic. Review status: criteria provided, single submitter (1 of 4 stars). 2 submissions from 2 submitters: Likely pathogenic (1). 1 of the submissions does not count toward it. Last evaluated 2022-05-07.

Conditions:
Nemaline myopathy 2 (NEM2). Also called: Nemaline myopathy 2, autosomal recessive. Identifiers: MedGen C1850569, MONDO:0009725, OMIM 256030.

Allele frequency attached by ClinVar (database versions not stated): TOPMed 0.00001.

Submissions (2):

Labcorp Genetics (formerly Invitae), Labcorp
Classification: Likely pathogenic for Nemaline myopathy 2. Last evaluated: 2022-05-07. Review status: criteria provided, single submitter. Criteria: Invitae Variant Classification Sherloc (09022015). Collection method: clinical testing. Allele origin: germline.
Comment: Algorithms developed to predict the effect of sequence changes on RNA splicing suggest that this variant may disrupt the consensus splice site. ClinVar contains an entry for this variant (Variation ID: 551157). This variant has not been reported in the literature in individuals affected with NEB-related conditions. This variant is not present in population databases (gnomAD no frequency). This sequence change affects an acceptor splice site in intron 60 of the NEB gene. It is expected to disrupt RNA splicing. Variants that disrupt the donor or acceptor splice site typically lead to a loss of protein function (PMID: 16199547), and loss-of-function variants in NEB are known to be pathogenic (PMID: 25205138). In summary, the currently available evidence indicates that the variant is pathogenic, but additional data are needed to prove that conclusively. Therefore, this variant has been classified as Likely Pathogenic.

Counsyl
Classification: Likely pathogenic for Nemaline myopathy 2. Last evaluated: 2017-03-17. Review status: no assertion criteria provided. Collection method: clinical testing. Allele origin: unknown. Not counted in ClinVar's aggregate classification.

Literature cited by the submitters: PubMed 16199547 (cited by Labcorp Genetics (formerly Invitae), Labcorp); PubMed 25205138 (cited by Labcorp Genetics (formerly Invitae), Labcorp).

NM_001164508.2(NEB):c.8374-1G>A

Gene: NEB (nebulin; minus strand). Cytogenetic location: 2q23.3.
Variant type: single nucleotide variant.
Coding change: c.8374-1G>A on transcript NM_001164508.2 (MANE Select); the canonical splice acceptor site of the intron before coding-DNA position 8374, G replaced by A.
Molecular consequence: splice acceptor variant.
Genome position (GRCh38, 1-based): chr2:151,640,667, C>T on the plus strand (G>A on the coding strand, the complement: NEB is on the minus strand). VCF-style: chr2-151640667-C-T. GRCh37 (hg19) VCF-style: chr2-152497181-C-T.
Other names: c.8374-1G>A (NM_004543.5, NM_001164507.2, NM_001271208.2).
Identifiers: ClinVar variation 551157 (VCV000551157.7), dbSNP rs1180407562, ClinGen allele CA348811937.